The following is an entry in ClinVar:

ClinVar aggregate classification (germline): Uncertain significance (1 of 4 stars; one submission).

Submission:

Labcorp Genetics (formerly Invitae), Labcorp
Classification: Uncertain significance. Last evaluated: 2023-11-19. Review status: criteria provided, single submitter. Criteria: Invitae Variant Classification Sherloc (09022015). Collection method: clinical testing. Allele origin: germline.
Comment: This sequence change replaces histidine, which is basic and polar, with tyrosine, which is neutral and polar, at codon 228 of the ZNF513 protein (p.His228Tyr). This variant is not present in population databases (gnomAD no frequency). This variant has not been reported in the literature in individuals affected with ZNF513-related conditions. An algorithm developed to predict the effect of missense changes on protein structure and function (PolyPhen-2) suggests that this variant is likely to be tolerated. In summary, the available evidence is currently insufficient to determine the role of this variant in disease. Therefore, it has been classified as a Variant of Uncertain Significance.

NM_144631.6(ZNF513):c.682C>T (p.His228Tyr)

Gene: ZNF513 (zinc finger protein 513; minus strand). Cytogenetic location: 2p23.3.
Variant type: single nucleotide variant.
Coding change: c.682C>T on transcript NM_144631.6 (MANE Select); coding-DNA position 682, C replaced by T.
Protein change: p.His228Tyr; replaces histidine 228 with tyrosine.
Molecular consequence: missense variant.
Genome position (GRCh38, 1-based): chr2:27,378,584, G>A on the plus strand (C>T on the coding strand, the complement: ZNF513 is on the minus strand). VCF-style: chr2-27378584-G-A. GRCh37 (hg19) VCF-style: chr2-27601451-G-A.
Other names: c.496C>T, p.His166Tyr (NM_001201459.2); short protein forms H166Y, H228Y.
Identifiers: ClinVar variation 2695080 (VCV002695080.3), dbSNP rs2465624138, ClinGen allele CA346217784.